The following is an entry in ClinVar:

ClinVar aggregate classification (germline): Uncertain significance (1 of 4 stars; one submission).

gnomAD v4.1: 6 of 1,614,098 alleles (0.00037%); highest among the groups gnomAD compares: Non-Finnish European, 0.00051%; no homozygotes.

Submission:

Women's Health and Genetics/Laboratory Corporation of America, LabCorp
Classification: Uncertain significance. Last evaluated: 2026-02-03. Review status: criteria provided, single submitter. Criteria: LabCorp Variant Classification Summary - May 2015. Collection method: clinical testing. Allele origin: germline.
Comment: Variant summary: SETBP1 c.2209C>G (p.Pro737Ala) results in a non-conservative amino acid change in the encoded protein sequence. Algorithms developed to predict the effect of missense changes on protein structure and function all suggest that this variant is likely to be disruptive. The variant was absent in 250820 control chromosomes. The available data on variant occurrences in the general population are insufficient to allow any conclusion about variant significance. To our knowledge, no occurrence of c.2209C>G in individuals affected with SETBP1-related conditions and no experimental evidence demonstrating its impact on protein function have been reported. No submitters have cited clinical-significance assessments for this variant to ClinVar. Based on the evidence outlined above, the variant was classified as uncertain significance.

NM_015559.3(SETBP1):c.2209C>G (p.Pro737Ala)

Gene: SETBP1 (SET binding protein 1; plus strand). Cytogenetic location: 18q12.3.
Variant type: single nucleotide variant.
Coding change: c.2209C>G on transcript NM_015559.3 (MANE Select); coding-DNA position 2209, C replaced by G.
Protein change: p.Pro737Ala; replaces proline 737 with alanine.
Molecular consequence: missense variant.
Genome position (GRCh38, 1-based): chr18:44,951,549, C>G. VCF-style: chr18-44951549-C-G. GRCh37 (hg19) VCF-style: chr18-42531514-C-G.
Other names: c.2209C>G, p.Pro737Ala (NM_001379141.1, NM_001379142.1, NM_001410862.1); short protein forms P737A.
Identifiers: ClinVar variation 4848058 (VCV004848058.1).
Genomic context (GRCh38, chr18:44,951,549, plus strand): 5'-AAGAGGGGAACCATCTACATTGGCAAGAAGCGGGGCAGGAAGCCAAGAGCAGAGCTGCCA[C>G]CCCCATCCGAAGAACCCAAAACAGCCATCAAGCACCCCAGGCCTGTTTCTAGCCAGCCGG-3'
Protein context (NP_056374.2, residues 727-747): RGRKPRAELP[Pro737Ala]PSEEPKTAIK